The following is an entry in ClinVar:

ClinVar aggregate classification (germline): Uncertain significance (1 of 4 stars; one submission).

Conditions:
Short-rib thoracic dysplasia 10 with or without polydactyly (SRTD10). Identifiers: Orphanet 474, MedGen C3810175, MONDO:0014284, OMIM 615630.
Retinitis pigmentosa 71 (RP71). Identifiers: Orphanet 791, MedGen C4225342, MONDO:0014618, OMIM 616394.

Submission:

Labcorp Genetics (formerly Invitae), Labcorp
Classification: Uncertain significance for Retinitis pigmentosa 71; Short-rib thoracic dysplasia 10 with or without polydactyly. Last evaluated: 2022-06-03. Review status: criteria provided, single submitter. Criteria: Invitae Variant Classification Sherloc (09022015). Collection method: clinical testing. Allele origin: germline.
Comment: In summary, the available evidence is currently insufficient to determine the role of this variant in disease. Therefore, it has been classified as a Variant of Uncertain Significance. Algorithms developed to predict the effect of missense changes on protein structure and function (SIFT, PolyPhen-2, Align-GVGD) all suggest that this variant is likely to be tolerated. This variant has not been reported in the literature in individuals affected with IFT172-related conditions. This variant is not present in population databases (gnomAD no frequency). This sequence change replaces lysine, which is basic and polar, with glutamic acid, which is acidic and polar, at codon 1347 of the IFT172 protein (p.Lys1347Glu).

NM_015662.3(IFT172):c.4039A>G (p.Lys1347Glu)

Gene: IFT172 (intraflagellar transport 172; minus strand). Cytogenetic location: 2p23.3.
Variant type: single nucleotide variant.
Coding change: c.4039A>G on transcript NM_015662.3 (MANE Select); coding-DNA position 4039, A replaced by G.
Protein change: p.Lys1347Glu; replaces lysine 1347 with glutamic acid.
Molecular consequence: missense variant.
Genome position (GRCh38, 1-based): chr2:27,450,009, T>C on the plus strand (A>G on the coding strand, the complement: IFT172 is on the minus strand). VCF-style: chr2-27450009-T-C. GRCh37 (hg19) VCF-style: chr2-27672876-T-C.
Other names: c.3973A>G, p.Lys1325Glu (NM_001410739.1); short protein forms K1325E, K1347E.
Identifiers: ClinVar variation 2001193 (VCV002001193.4), dbSNP rs2465817221, ClinGen allele CA346422312.